The following is an entry in ClinVar:

NM_001453.3(FOXC1):c.1231C>T (p.His411Tyr)

Gene: FOXC1 (forkhead box C1; plus strand). Cytogenetic location: 6p25.3.
Variant type: single nucleotide variant.
Coding change: c.1231C>T on transcript NM_001453.3 (MANE Select); coding-DNA position 1231, C replaced by T.
Protein change: p.His411Tyr; replaces histidine 411 with tyrosine.
Molecular consequence: missense variant.
Genome position (GRCh38, 1-based): chr6:1,611,676, C>T. VCF-style: chr6-1611676-C-T. GRCh37 (hg19) VCF-style: chr6-1611911-C-T.
Other names: short protein forms H411Y.
Identifiers: ClinVar variation 1441851 (VCV001441851.19), dbSNP rs2113114171, ClinGen allele CA362560491.

ClinVar aggregate classification (germline): Uncertain significance. Review status: criteria provided, multiple submitters, no conflicts (2 of 4 stars). 2 submissions from 2 submitters: Uncertain significance (2). Last evaluated 2025-06-09.

Conditions:
Axenfeld-Rieger syndrome type 3 (RIEG3). Also called: AXENFELD-RIEGER ANOMALY WITH CARDIAC DEFECTS AND/OR SENSORINEURAL HEARING LOSS. Identifiers: Orphanet 782, MedGen C2678503, MONDO:0011233, OMIM 602482.

Allele frequency attached by ClinVar (database versions not stated): gnomAD exomes below 0.00001.
gnomAD v4.1: 2 of 1,409,740 alleles (0.00014%); highest among the groups gnomAD compares: Non-Finnish European, 0.00018%; no homozygotes.

Submissions (2):

Labcorp Genetics (formerly Invitae), Labcorp
Classification: Uncertain significance for Axenfeld-Rieger syndrome type 3. Last evaluated: 2025-06-09. Review status: criteria provided, single submitter. Criteria: Invitae Variant Classification Sherloc (09022015). Collection method: clinical testing. Allele origin: germline.
Comment: This sequence change replaces histidine, which is basic and polar, with tyrosine, which is neutral and polar, at codon 411 of the FOXC1 protein (p.His411Tyr). This variant is not present in population databases (gnomAD no frequency). This variant has not been reported in the literature in individuals affected with FOXC1-related conditions. ClinVar contains an entry for this variant (Variation ID: 1441851). An algorithm developed to predict the effect of missense changes on protein structure and function (PolyPhen-2) suggests that this variant is likely to be disruptive. In summary, the available evidence is currently insufficient to determine the role of this variant in disease. Therefore, it has been classified as a Variant of Uncertain Significance.

CeGaT Center for Human Genetics Tuebingen
Classification: Uncertain significance. Last evaluated: 2025-02-01. Review status: criteria provided, single submitter. Criteria: CeGaT Center For Human Genetics Tuebingen Variant Classification Criteria Version 2. Collection method: clinical testing. Allele origin: germline. Affected: yes. Observed: 1 variant allele.
Comment: FOXC1: PM2:Supporting